The following is an entry in ClinVar:

NM_000168.6(GLI3):c.2936_2953dup (p.Ala984_His985insArgSerAspGlyGlyAla)

Gene: GLI3 (GLI family zinc finger 3; minus strand). Cytogenetic location: 7p14.1.
Variant type: Duplication.
Coding change: c.2936_2953dup on transcript NM_000168.6 (MANE Select); coding-DNA positions 2936 to 2953, 18 bases duplicated (GCAGCGACGGGGGAGCCC).
Protein change: p.Ala984_His985insArgSerAspGlyGlyAla.
Molecular consequence: inframe insertion.
Genome position (GRCh38, 1-based): chr7:41,966,120-41,966,137, GGGCTCCCCCGTCGCTGC duplicated on the plus strand (GCAGCGACGGGGGAGCCC on the coding strand, the reverse complement: GLI3 is on the minus strand). VCF-style (leftmost placement, unchanged base first): chr7-41966119-T-TGGGCTCCCCCGTCGCTGC. GRCh37 (hg19) VCF-style: chr7-42005717-T-TGGGCTCCCCCGTCGCTGC.
Identifiers: ClinVar variation 1344974 (VCV001344974.2), dbSNP rs1252097775, ClinGen allele CA573904903.

ClinVar aggregate classification (germline): Uncertain significance (1 of 4 stars; one submission).

Allele frequency attached by ClinVar (database versions not stated): gnomAD exomes 0.00001.

Submission:

GeneDx
Classification: Uncertain significance. Last evaluated: 2022-03-17. Review status: criteria provided, single submitter. Criteria: GeneDx Variant Classification Process June 2021. Collection method: clinical testing. Allele origin: germline. Affected: yes.
Comment: In-frame insertion of 6 amino acids in a non-repeat region; Has not been previously published as pathogenic or benign to our knowledge